The following is an entry in ClinVar:

NM_001754.5(RUNX1):c.431T>A (p.Leu144Gln)

Genes: RUNX1 (RUNX family transcription factor 1; minus strand), RUNX1-AS1 (RUNX1 antisense RNA 1; plus strand). Cytogenetic location: 21q22.12.
Variant type: single nucleotide variant.
Coding change: c.431T>A on transcript NM_001754.5 (MANE Select); coding-DNA position 431, T replaced by A.
Protein change: p.Leu144Gln; replaces leucine 144 with glutamine.
Molecular consequence: missense variant.
Genome position (GRCh38, 1-based): chr21:34,880,634, A>T on the plus strand (T>A on the coding strand, the complement: RUNX1 is on the minus strand). VCF-style: chr21-34880634-A-T. GRCh37 (hg19) VCF-style: chr21-36252931-A-T.
Other names: NM_001754.5:c.431T>A; c.350T>A, p.Leu117Gln (NM_001001890.3, NM_001122607.2); short protein forms L117Q, L144Q.
Identifiers: ClinVar variation 3255391 (VCV003255391.2), dbSNP rs979009101.

ClinVar aggregate classification (germline): Uncertain significance (3 of 4 stars; one submission).

Conditions:
Hereditary thrombocytopenia and hematologic cancer predisposition syndrome. Identifiers: Orphanet 71290, MedGen CN281654, MONDO:0011071.

Submission:

ClinGen Myeloid Malignancy Variant Curation Expert Panel
Classification: Uncertain significance for Hereditary thrombocytopenia and hematologic cancer predisposition syndrome. Last evaluated: 2024-07-11. Review status: reviewed by expert panel. Criteria: ClinGen MyeloMalig ACMG Specifications v2. Collection method: curation. Allele origin: germline. Inheritance: Autosomal dominant inheritance.
Comment: NM_001754.5(RUNX1):c.431T>A (p.Leu144Gln) is a missense variant affecting one of the residues within the Runt Homology Domain, but not a known hotspot residue (PM1_supporting). This variant has a REVEL score ≥ 0.88 (0.985) (PP3). It is completely absent from all population databases with at least 20x coverage for RUNX1 (PM2_supporting). In summary, the clinical significance of this variant is uncertain. ACMG/AMP criteria applied, as specified by the Myeloid Malignancy Variant Curation Expert Panel for RUNX1: PP3, PM1_supporting, PM2_supporting.